The following is an entry in ClinVar:

ClinVar aggregate classification (germline): Uncertain significance. Review status: criteria provided, multiple submitters, no conflicts (2 of 4 stars). 2 submissions from 2 submitters: Uncertain significance (2). Last evaluated 2025-11-24.

Allele frequency attached by ClinVar (database versions not stated): gnomAD exomes below 0.00001; gnomAD 0.00001; TOPMed 0.00001.

Submissions (2):

Dasa
Classification: Uncertain significance. Last evaluated: 2025-11-24. Review status: criteria provided, single submitter. Criteria: DASA Assertion Criteria. Collection method: clinical testing. Allele origin: germline.
Comment: NM_001286.5(CLCN6):c.2203C>T (p.Arg735Trp) is a missense variant that results in the substitution of arginine with tryptophan. This variant is rare in population databases. Computational prediction algorithms are consistent with a deleterious effect. The currently available literature and clinical evidence are not sufficient to establish a definitive association between this variant and the reported condition. Therefore, this variant is classified as a variant of uncertain significance.

Labcorp Genetics (formerly Invitae), Labcorp
Classification: Uncertain significance. Last evaluated: 2024-04-29. Review status: criteria provided, single submitter. Criteria: Invitae Variant Classification Sherloc (09022015). Collection method: clinical testing. Allele origin: germline.
Comment: This sequence change replaces arginine, which is basic and polar, with tryptophan, which is neutral and slightly polar, at codon 735 of the CLCN6 protein (p.Arg735Trp). This variant is not present in population databases (gnomAD no frequency). This variant has not been reported in the literature in individuals affected with CLCN6-related conditions. An algorithm developed to predict the effect of missense changes on protein structure and function (PolyPhen-2) suggests that this variant is likely to be disruptive. In summary, the available evidence is currently insufficient to determine the role of this variant in disease. Therefore, it has been classified as a Variant of Uncertain Significance.

NM_001286.5(CLCN6):c.2203C>T (p.Arg735Trp)

Gene: CLCN6 (Cl-/H+ antiporter 6; plus strand). Cytogenetic location: 1p36.22.
Variant type: single nucleotide variant.
Coding change: c.2203C>T on transcript NM_001286.5 (MANE Select); coding-DNA position 2203, C replaced by T.
Protein change: p.Arg735Trp; replaces arginine 735 with tryptophan.
Molecular consequence: missense variant. On other transcripts: non-coding transcript variant (1).
Genome position (GRCh38, 1-based): chr1:11,837,407, C>T. VCF-style: chr1-11837407-C-T. GRCh37 (hg19) VCF-style: chr1-11897464-C-T.
Other names: c.2137C>T, p.Arg713Trp (NM_001256959.2); short protein forms R735W, R713W.
Identifiers: ClinVar variation 2900556 (VCV002900556.5), dbSNP rs1440077965, ClinGen allele CA338440910.